The following is an entry in ClinVar:

ClinVar aggregate classification (germline): Uncertain significance. Review status: criteria provided, multiple submitters, no conflicts (2 of 4 stars). 5 submissions from 5 submitters: Uncertain significance (5). Last evaluated 2026-09-11.

Conditions:
LRP5-related disorder. Also called: LRP5-related condition.
Bone mineral density quantitative trait locus 1 (BMND1). Identifiers: MedGen C1866079, OMIM 601884.
Exudative vitreoretinopathy 4 (EVR4). Identifiers: Orphanet 891, MedGen C1866176, MONDO:0011151, OMIM 601813.
Autosomal dominant osteopetrosis 1 (OPTA1). Also called: OSTEOPETROSIS, AUTOSOMAL DOMINANT, TYPE I. Identifiers: Orphanet 2783, MedGen C1843330, MONDO:0011877, OMIM 607634.
Polycystic liver disease 4 with or without kidney cysts. Identifiers: MedGen C4693479, MONDO:0044327, OMIM 617875.
Exudative vitreoretinopathy 1 (EVR1). Also called: CRISWICK-SCHEPENS SYNDROME; FEVR, AUTOSOMAL DOMINANT; Familial exudative vitreoretinopathy, autosomal dominant. Identifiers: Orphanet 891, Orphanet 90050, MedGen C1851402, MONDO:0007589, OMIM 133780.
Worth disease. Also called: ENDOSTEAL HYPEROSTOSIS, AUTOSOMAL DOMINANT; OSTEOSCLEROSIS, AUTOSOMAL DOMINANT; Autosomal dominant osteosclerosis, Worth type. Identifiers: Orphanet 2790, MedGen C0432273, MONDO:0007764, OMIM 144750.
Osteoporosis with pseudoglioma (OPPG). Also called: osteoporosis-pseudoglioma syndrome. Identifiers: Orphanet 2788, MedGen C0432252, MONDO:0009820, OMIM 259770.
Osteoporosis. Identifiers: MedGen C0029456, MONDO:0005298, OMIM 166710, HP:0000939.
Inborn genetic diseases. Identifiers: MedGen C0950123, MeSH D030342.

Allele frequency attached by ClinVar (database versions not stated): TOPMed 0.00002; gnomAD 0.00001.
gnomAD v4.1: 31 of 1,614,044 alleles (0.0019%); highest among the groups gnomAD compares: South Asian, 0.0077%; no homozygotes.

Submissions (5):

Ambry Genetics
Classification: Uncertain significance for Inborn genetic diseases. Last evaluated: 2026-09-11. Review status: criteria provided, single submitter. Criteria: Ambry Variant Classification Scheme 2023. Collection method: clinical testing. Allele origin: germline.

PreventionGenetics, part of Exact Sciences
Classification: Uncertain significance for LRP5-related condition. Last evaluated: 2025-07-16. Review status: criteria provided, single submitter. Criteria: ACMG Guidelines, 2015. Collection method: clinical testing. Allele origin: germline.
Comment: The LRP5 c.1693C>T variant is predicted to result in the amino acid substitution p.Arg565Cys. To our knowledge, this variant has not been reported in the literature. This variant is present in 0.016% of alleles in individuals of South Asian descent in gnomAD. At this time, the clinical significance of this variant is uncertain due to the absence of conclusive functional and genetic evidence.

Labcorp Genetics (formerly Invitae), Labcorp
Classification: Uncertain significance. Last evaluated: 2024-12-10. Review status: criteria provided, single submitter. Criteria: Invitae Variant Classification Sherloc (09022015). Collection method: clinical testing. Allele origin: germline.
Comment: This sequence change replaces arginine, which is basic and polar, with cysteine, which is neutral and slightly polar, at codon 565 of the LRP5 protein (p.Arg565Cys). This variant is present in population databases (rs745350421, gnomAD 0.02%). This variant has not been reported in the literature in individuals affected with LRP5-related conditions. ClinVar contains an entry for this variant (Variation ID: 967636). Invitae Evidence Modeling of protein sequence and biophysical properties (such as structural, functional, and spatial information, amino acid conservation, physicochemical variation, residue mobility, and thermodynamic stability) has been performed for this missense variant. However, the output from this modeling did not meet the statistical confidence thresholds required to predict the impact of this variant on LRP5 protein function. In summary, the available evidence is currently insufficient to determine the role of this variant in disease. Therefore, it has been classified as a Variant of Uncertain Significance.

Women's Health and Genetics/Laboratory Corporation of America, LabCorp
Classification: Uncertain significance. Last evaluated: 2024-05-17. Review status: criteria provided, single submitter. Criteria: LabCorp Variant Classification Summary - May 2015. Collection method: clinical testing. Allele origin: germline.
Comment: Variant summary: LRP5 c.1693C>T (p.Arg565Cys) results in a non-conservative amino acid change in the encoded protein sequence. Four of five in-silico tools predict a damaging effect of the variant on protein function. The variant allele was found at a frequency of 3.2e-05 in 251342 control chromosomes. The available data on variant occurrences in the general population are insufficient to allow any conclusion about variant significance. To our knowledge, no occurrence of c.1693C>T in individuals affected with Familial Exudative Vitreoretinopathy or other LRP5-related disorders and no experimental evidence demonstrating its impact on protein function have been reported. ClinVar contains an entry for this variant (Variation ID: 967636). Based on the evidence outlined above, the variant was classified as uncertain significance.

Fulgent Genetics
Classification: Uncertain significance for Exudative vitreoretinopathy 1; Worth disease; Osteoporosis; Osteoporosis with pseudoglioma; Exudative vitreoretinopathy 4; Bone mineral density quantitative trait locus 1; Autosomal dominant osteopetrosis 1; Polycystic liver disease 4 with or without kidney cysts. Last evaluated: 2022-05-27. Review status: criteria provided, single submitter. Criteria: ACMG Guidelines, 2015. Collection method: clinical testing. Allele origin: unknown.

NM_002335.4(LRP5):c.1693C>T (p.Arg565Cys)

Gene: LRP5 (LDL receptor related protein 5; plus strand). Cytogenetic location: 11q13.2.
Variant type: single nucleotide variant.
Coding change: c.1693C>T on transcript NM_002335.4 (MANE Select); coding-DNA position 1693, C replaced by T.
Protein change: p.Arg565Cys; replaces arginine 565 with cysteine.
Molecular consequence: missense variant. On other transcripts: 5 prime UTR variant (1).
Genome position (GRCh38, 1-based): chr11:68,403,591, C>T. VCF-style: chr11-68403591-C-T. GRCh37 (hg19) VCF-style: chr11-68171059-C-T.
Other names: c.-245C>T (NM_001291902.2); c.1693C>T (NM_002335.2); short protein forms R565C.
Identifiers: ClinVar variation 967636 (VCV000967636.14), dbSNP rs745350421, ClinGen allele CA6149408.